The following is an entry in ClinVar:

NM_176824.3(BBS7):c.529-7_529-5del

Gene: BBS7 (Bardet-Biedl syndrome 7; minus strand). Cytogenetic location: 4q27.
Variant type: Deletion.
Coding change: c.529-7_529-5del on transcript NM_176824.3 (MANE Select); 7 bases into the intron before coding-DNA position 529 through 5 bases into the intron before coding-DNA position 529, 3 bases deleted (CCT; older notation c.529-7_529-5delCCT).
Molecular consequence: intron variant.
Genome position (GRCh38, 1-based): chr4:121,855,566-121,855,568, AGG deleted on the plus strand (CCT on the coding strand, the reverse complement: BBS7 is on the minus strand); deleting any 3 consecutive bases within chr4:121,855,566-121,855,570 gives the same sequence; the c. name uses the placement nearest the transcript's 3' end. VCF-style (leftmost placement, unchanged base first): chr4-121855565-AAGG-A. GRCh37 (hg19) VCF-style: chr4-122776720-AAGG-A.
Other names: c.529-7_529-5delCCT (NM_176824.2); c.529-7_529-5del (NM_018190.4).
Identifiers: ClinVar variation 1079538 (VCV001079538.10), dbSNP rs758828904, ClinGen allele CA3064483.

ClinVar aggregate classification (germline): Conflicting classifications of pathogenicity. Review status: criteria provided, conflicting classifications (1 of 4 stars). 2 submissions from 2 submitters: Uncertain significance (1); Likely benign (1). Last evaluated 2026-04-29.

Conditions:
Bardet-Biedl syndrome (BBS). Identifiers: Orphanet 110, MedGen C0752166, MONDO:0015229.
BBS7-related disorder. Also called: BBS7-related condition.

Submissions (2):

PreventionGenetics, part of Exact Sciences
Classification: Uncertain significance for BBS7-related condition. Last evaluated: 2026-04-29. Review status: criteria provided, single submitter. Criteria: ACMG Guidelines, 2015. Collection method: clinical testing. Allele origin: germline.
Comment: The BBS7 c.529-7_529-5delCCT variant is predicted to result in an intronic deletion. To our knowledge, this variant has not been reported in the literature. This variant is predicted to affect a nearby canonical splice site according to an in silico splicing algorithm (SpliceAI, Jaganathan et al. 2019. PubMed ID: 30661751). However, the use of computer prediction programs is not equivalent to functional evidence. This variant is reported in 0.038% of alleles in individuals of Latino descent in gnomAD. At this time, the clinical significance of this variant is uncertain due to the absence of conclusive functional and genetic evidence.

Labcorp Genetics (formerly Invitae), Labcorp
Classification: Likely benign for Bardet-Biedl syndrome. Last evaluated: 2026-01-20. Review status: criteria provided, single submitter. Criteria: Invitae Variant Classification Sherloc (09022015). Collection method: clinical testing. Allele origin: germline.